The following is an entry in ClinVar:

NM_004974.4(KCNA2):c.299G>A (p.Arg100Gln)

Gene: KCNA2 (potassium voltage-gated channel subfamily A member 2; minus strand). Cytogenetic location: 1p13.3.
Variant type: single nucleotide variant.
Coding change: c.299G>A on transcript NM_004974.4 (MANE Select); coding-DNA position 299, G replaced by A.
Protein change: p.Arg100Gln; replaces arginine 100 with glutamine.
Molecular consequence: missense variant.
Genome position (GRCh38, 1-based): chr1:110,604,484, C>T on the plus strand (G>A on the coding strand, the complement: KCNA2 is on the minus strand). VCF-style: chr1-110604484-C-T. GRCh37 (hg19) VCF-style: chr1-111147106-C-T.
Other names: c.299G>A, p.Arg100Gln (NM_001204269.2); short protein forms R100Q.
Identifiers: ClinVar variation 1025134 (VCV001025134.9), dbSNP rs1649509246, ClinGen allele CA341605995.
Genomic context (GRCh38, chr1:110,604,484, plus strand): 5'-TCTCCCAGCTCATAAAACCGAATTTCTTCAGAGAATATATCTAAGGGCACATTCACAGGT[C>T]GCCTCAATCGGCCCCCTGACTGGTAGTAGTACAAAATGGCATCAAAGCTAGGGCGGTTCC-3'
Protein context (NP_004965.1, residues 90-110): YYYQSGGRLR[Arg100Gln]PVNVPLDIFS

ClinVar aggregate classification (germline): Uncertain significance (1 of 4 stars; one submission).

Conditions:
Developmental and epileptic encephalopathy, 32 (DEE32). Also called: Epileptic encephalopathy, early infantile, 32. Identifiers: Orphanet 442835, MedGen C4225350, MONDO:0014607, OMIM 616366.

Allele frequency attached by ClinVar (database versions not stated): gnomAD exomes below 0.00001.
gnomAD v4.1: 2 of 1,614,192 alleles (0.00012%); highest among the groups gnomAD compares: South Asian, 0.0011%; no homozygotes.

Submission:

Labcorp Genetics (formerly Invitae), Labcorp
Classification: Uncertain significance for Developmental and epileptic encephalopathy, 32. Last evaluated: 2021-02-11. Review status: criteria provided, single submitter. Criteria: Invitae Variant Classification Sherloc (09022015). Collection method: clinical testing. Allele origin: germline.
Comment: In summary, the available evidence is currently insufficient to determine the role of this variant in disease. Therefore, it has been classified as a Variant of Uncertain Significance. Algorithms developed to predict the effect of missense changes on protein structure and function (SIFT, PolyPhen-2, Align-GVGD) all suggest that this variant is likely to be disruptive, but these predictions have not been confirmed by published functional studies and their clinical significance is uncertain. This variant has been observed in one or more individuals who were not affected with KCNA2-related conditions (Invitae). This variant is not present in population databases (ExAC no frequency). This sequence change replaces arginine with glutamine at codon 100 of the KCNA2 protein (p.Arg100Gln). The arginine residue is highly conserved and there is a small physicochemical difference between arginine and glutamine.